The following is an entry in ClinVar:

ClinVar aggregate classification (germline): Uncertain significance (1 of 4 stars; one submission).

Conditions:
Hereditary breast ovarian cancer syndrome. Also called: Hereditary breast and ovarian cancer; Hereditary breast and ovarian cancer syndrome; Breast and ovarian cancer; BRCA1- and BRCA2-Associated Hereditary Breast and Ovarian Cancer; Hereditary breast and/or ovarian cancer syndrome; Hereditary breast and ovarian cancer syndrome (HBOC). Identifiers: Orphanet 145, MedGen C0677776, MeSH D061325, MONDO:0003582. Disease mechanism: loss of function.

Submission:

Labcorp Genetics (formerly Invitae), Labcorp
Classification: Uncertain significance for Hereditary breast ovarian cancer syndrome. Last evaluated: 2022-02-21. Review status: criteria provided, single submitter. Criteria: Invitae Variant Classification Sherloc (09022015). Collection method: clinical testing. Allele origin: germline.
Comment: This sequence change replaces valine, which is neutral and non-polar, with isoleucine, which is neutral and non-polar, at codon 2377 of the BRCA2 protein (p.Val2377Ile). In summary, the available evidence is currently insufficient to determine the role of this variant in disease. Therefore, it has been classified as a Variant of Uncertain Significance. Advanced modeling of protein sequence and biophysical properties (such as structural, functional, and spatial information, amino acid conservation, physicochemical variation, residue mobility, and thermodynamic stability) performed at Invitae indicates that this missense variant is not expected to disrupt BRCA2 protein function. This variant has not been reported in the literature in individuals affected with BRCA2-related conditions. This variant is not present in population databases (gnomAD no frequency).

NM_000059.4(BRCA2):c.7129G>A (p.Val2377Ile)

Gene: BRCA2 (BRCA2 DNA repair associated; plus strand). Cytogenetic location: 13q13.1.
Variant type: single nucleotide variant.
Coding change: c.7129G>A on transcript NM_000059.4 (MANE Select); coding-DNA position 7129, G replaced by A.
Protein change: p.Val2377Ile; replaces valine 2377 with isoleucine.
Molecular consequence: missense variant.
Genome position (GRCh38, 1-based): chr13:32,354,982, G>A. VCF-style: chr13-32354982-G-A. GRCh37 (hg19) VCF-style: chr13-32929119-G-A.
Other names: c.7033G>A, p.Val2345Ile (NM_001406719.1); c.7129G>A, p.Val2377Ile (NM_001406720.1); c.2197G>A, p.Val733Ile (NM_001406721.1); c.712G>A, p.Val238Ile (NM_001406722.1); short protein forms V2345I, V2377I, V238I, V733I.
Identifiers: ClinVar variation 2101283 (VCV002101283.4), dbSNP rs2137556166, ClinGen allele CA387738831.